The following is an entry in ClinVar:

ClinVar aggregate classification (germline): Pathogenic (1 of 4 stars; one submission).

Submission:

Labcorp Genetics (formerly Invitae), Labcorp
Classification: Pathogenic. Last evaluated: 2022-10-07. Review status: criteria provided, single submitter. Criteria: Invitae Variant Classification Sherloc (09022015). Collection method: clinical testing. Allele origin: germline.
Comment: For these reasons, this variant has been classified as Pathogenic. This variant has not been reported in the literature in individuals affected with EYS-related conditions. This variant is not present in population databases (gnomAD no frequency). This sequence change creates a premature translational stop signal (p.Ser2012Ilefs*34) in the EYS gene. It is expected to result in an absent or disrupted protein product. Loss-of-function variants in EYS are known to be pathogenic (PMID: 18836446, 20333770).

Literature cited by the submitters: PubMed 18836446; PubMed 20333770.

NM_001142800.2(EYS):c.6032dup (p.Ser2012fs)

Gene: EYS (EGF-like photoreceptor maintenance factor; minus strand). Cytogenetic location: 6q12.
Variant type: Duplication.
Coding change: c.6032dup on transcript NM_001142800.2 (MANE Select); coding-DNA position 6032, one base duplicated (G; older notation c.6032dupG).
Protein change: p.Ser2012fs; shifts the reading frame from serine 2012.
Molecular consequence: frameshift variant.
Genome position (GRCh38, 1-based): chr6:64,388,736, C duplicated on the plus strand (G on the coding strand, the reverse complement: EYS is on the minus strand); the first of 2 consecutive C bases (chr6:64,388,736-64,388,737); duplicating either gives the same sequence. VCF-style (leftmost placement, unchanged base first): chr6-64388735-T-TC. GRCh37 (hg19) VCF-style: chr6-65098628-T-TC.
Other names: c.6032dup, p.Ser2012fs (NM_001292009.2); short protein forms S2012fs.
Identifiers: ClinVar variation 2033417 (VCV002033417.4), dbSNP rs2533088297, ClinGen allele CA2580075648.
Genomic context (GRCh38, chr6:64,388,735, plus strand): 5'-CATCTATAGAAATACCTGGATTTTCCCATGAAGGTCTGGAAATCCACCAATGAAGACAGA[T>TC]CCTGATTTTGGCAGGGGTTTTCCGAGTACATGATTGATAGATTCGCATATTTGTGTATTC-3'